The following is an entry in ClinVar:

ClinVar aggregate classification (germline): Pathogenic. Review status: reviewed by expert panel (3 of 4 stars). 3 submissions from 3 submitters: Pathogenic (1). 2 of the submissions do not count toward it. Last evaluated 2016-09-08.

Conditions:
Breast-ovarian cancer, familial, susceptibility to, 1 (BROVCA1). Also called: OVARIAN CANCER, SUSCEPTIBILITY TO; BRCA1 Hereditary Breast and Ovarian Cancer. Identifiers: Orphanet 145, MedGen C2676676, MONDO:0011450, OMIM 604370. Disease mechanism: loss of function.

Submissions (3):

Evidence-based Network for the Interpretation of Germline Mutant Alleles (ENIGMA)
Classification: Pathogenic for Breast-ovarian cancer, familial, susceptibility to, 1. Last evaluated: 2016-09-08. Review status: reviewed by expert panel. Criteria: ENIGMA BRCA1/2 Classification Criteria (2015). Collection method: curation. Allele origin: germline.
Comment: Variant allele predicted to encode a truncated non-functional protein.

Consortium of Investigators of Modifiers of BRCA1/2 (CIMBA), c/o University of Cambridge
Classification: Pathogenic for Breast-ovarian cancer, familial, susceptibility to, 1. Last evaluated: 2015-10-02. Review status: criteria provided, single submitter. Criteria: CIMBA Mutation Classification guidelines May 2016. Collection method: clinical testing. Allele origin: germline. Not counted in ClinVar's aggregate classification.

Breast Cancer Information Core (BIC) (BRCA1)
Classification: Pathogenic for Breast-ovarian cancer, familial 1. Last evaluated: 2009-04-29. Review status: no assertion criteria provided. Collection method: clinical testing. Allele origin: germline. Affected: yes. Observed: 1 variant allele. Not counted in ClinVar's aggregate classification.

NM_007294.4(BRCA1):c.3226del (p.Arg1076fs)

Genes: BRCA1 (BRCA1 DNA repair associated; minus strand), LOC126862571 (BRD4-independent group 4 enhancer GRCh37_chr17:41243136-41244335; plus strand). Cytogenetic location: 17q21.31.
Variant type: Deletion.
Coding change: c.3226del on transcript NM_007294.4 (MANE Select); coding-DNA position 3226, one base deleted (A; older notation c.3226delA).
Protein change: p.Arg1076fs; shifts the reading frame from arginine 1076.
Molecular consequence: frameshift variant. On other transcripts: intron variant (137).
Genome position (GRCh38, 1-based): chr17:43,092,305, T deleted on the plus strand (A on the coding strand, the reverse complement: BRCA1 is on the minus strand). VCF-style (leftmost placement, unchanged base first): chr17-43092304-CT-C. GRCh37 (hg19) VCF-style: chr17-41244321-CT-C.
Other names: 3345delA; c.3103del, p.Arg1035fs (NM_001407666.1, NM_001407667.1, NM_001407668.1 and 19 more transcripts); c.3100del, p.Arg1034fs (NM_001407670.1, NM_001407671.1, NM_001407672.1 and 11 more transcripts); c.3226del, p.Arg1076fs (NM_001407684.1, NM_001407854.1, NM_001407858.1 and 30 more transcripts); c.3085del, p.Arg1029fs (NM_001407692.1, NM_001407694.1, NM_001407695.1 and 29 more transcripts); c.3082del, p.Arg1028fs (NM_001407740.1, NM_001407741.1, NM_001407742.1 and 20 more transcripts); c.3013del, p.Arg1005fs (NM_001407853.1, NM_001407894.1, NM_001407895.1 and 9 more transcripts); c.3223del, p.Arg1075fs (NM_001407860.1, NM_001407861.1, NM_001407587.1 and 22 more transcripts); and 42 more; short protein forms R1029fs, R1076fs, R1006fs, R1008fs, R1035fs, R1049fs, R780fs, R908fs.
Identifiers: ClinVar variation 54801 (VCV000054801.4), dbSNP rs273899703, ClinGen allele CA002089.